The following is an entry in ClinVar:

ClinVar aggregate classification (germline): Likely benign (0 of 4 stars; one submission).

Conditions:
ADGRG2-related disorder. Also called: ADGRG2-related condition.

Allele frequency attached by ClinVar (database versions not stated): gnomAD exomes below 0.00001.
gnomAD v4.1: 4 of 1,183,739 alleles (0.00034%); highest among the groups gnomAD compares: Non-Finnish European, 0.00011%; 1 homozygote.

Submission:

PreventionGenetics, part of Exact Sciences
Classification: Likely benign for ADGRG2-related condition. Last evaluated: 2019-07-11. Review status: no assertion criteria provided. Collection method: clinical testing. Allele origin: germline.
Comment: This variant is classified as likely benign based on ACMG/AMP sequence variant interpretation guidelines (Richards et al. 2015 PMID: 25741868, with internal and published modifications).

NM_001079858.3(ADGRG2):c.2717-4G>T

Gene: ADGRG2 (adhesion G protein-coupled receptor G2; minus strand). Cytogenetic location: Xp22.13.
Variant type: single nucleotide variant.
Coding change: c.2717-4G>T on transcript NM_001079858.3 (MANE Select); 4 bases into the intron before coding-DNA position 2717, G replaced by T.
Molecular consequence: intron variant.
Genome position (GRCh38, 1-based): chrX:18,995,052, C>A on the plus strand (G>T on the coding strand, the complement: ADGRG2 is on the minus strand). VCF-style: chrX-18995052-C-A. GRCh37 (hg19) VCF-style: chrX-19013170-C-A.
Other names: c.2603-4G>T (NM_001184835.2); c.2645-4G>T (NM_001184836.2); c.2627-4G>T (NM_001184837.2); c.2669-4G>T (NM_001184833.2); c.2708-4G>T (NM_005756.4); c.2651-4G>T (NM_001079860.3); c.2675-4G>T (NM_001079859.3); c.2716+999G>T (NM_001184834.2).
Identifiers: ClinVar variation 3050062 (VCV003050062.2), dbSNP rs1601836423, ClinGen allele CA2418105363.
Genomic context (GRCh38, chrX:18,995,052, plus strand): 5'-ACACTCCTTGGTTTACAGTCTGCTTCTTTAAACCATTAGTAGCAGTTTTACTCCAGTCTA[C>A]AGCAGAATAAGCATTACAGAAAAACAGGGCAGTATGTTGAAGCTCAAACGCAAGAGACAG-3'